The following is an entry in ClinVar:

NM_198525.3(KIF7):c.2560_2570del (p.Ala854fs)

Gene: KIF7 (kinesin family member 7; minus strand). Cytogenetic location: 15q26.1.
Variant type: Deletion.
Coding change: c.2560_2570del on transcript NM_198525.3 (MANE Select); coding-DNA positions 2560 to 2570, 11 bases deleted (GCAGAAATGAG).
Protein change: p.Ala854fs; shifts the reading frame from alanine 854.
Molecular consequence: frameshift variant.
Genome position (GRCh38, 1-based): chr15:89,633,708-89,633,718, CTCATTTCTGC deleted on the plus strand (GCAGAAATGAG on the coding strand, the reverse complement: KIF7 is on the minus strand); deleting any 11 consecutive bases within chr15:89,633,708-89,633,721 gives the same sequence; the c. name uses the placement nearest the transcript's 3' end. VCF-style (leftmost placement, unchanged base first): chr15-89633707-GCTCATTTCTGC-G. GRCh37 (hg19) VCF-style: chr15-90176938-GCTCATTTCTGC-G.
Other names: c.2560_2570del11 (NM_198525.2); short protein forms A854fs.
Identifiers: ClinVar variation 1454843 (VCV001454843.12), dbSNP rs762662896, ClinGen allele CA7728096.

ClinVar aggregate classification (germline): Pathogenic/Likely pathogenic. Review status: criteria provided, multiple submitters, no conflicts (2 of 4 stars). 7 submissions from 7 submitters: Pathogenic (3); Likely pathogenic (3). 1 of the submissions does not count toward it. Last evaluated 2024-08-29.

Conditions:
KIF7-related disorder. Also called: KIF7-related condition.
Acrocallosal syndrome (ACLS). Also called: Schinzel syndrome 1; Absence of corpus callosum with unusual facial appearance, mental deficiency, duplication of the halluces and polydactyly; HALLUX DUPLICATION, POSTAXIAL POLYDACTYLY, AND ABSENCE OF CORPUS CALLOSUM. Identifiers: Orphanet 36, MedGen C0796147, MONDO:0008708, OMIM 200990.
Multiple epiphyseal dysplasia, Al-Gazali type. Also called: Macrocephaly with multiple epiphyseal dysplasia and distinctive facies. Identifiers: Orphanet 166024, MedGen C1846722, MONDO:0011778, OMIM 607131.
Hydrolethalus syndrome 2 (HLS2). Identifiers: Orphanet 2189, MedGen C3279899, MONDO:0013585, OMIM 614120.

Submissions (7):

GeneDx
Classification: Pathogenic. Last evaluated: 2024-08-29. Review status: criteria provided, single submitter. Criteria: GeneDx Variant Classification Process June 2021. Collection method: clinical testing. Allele origin: germline.
Comment: Identified in the heterozygous state in individuals with idiopathic scoliosis undergoing whole exome sequencing (PMID: 33382518); Frameshift variant predicted to result in protein truncation or nonsense mediated decay in a gene for which loss of function is a known mechanism of disease; Not observed at significant frequency in large population cohorts (gnomAD); This variant is associated with the following publications: (PMID: 33382518)

Blueprint Genetics
Classification: Likely pathogenic for KIF7-related disorders. Last evaluated: 2024-08-20. Review status: criteria provided, single submitter. Criteria: ACMG Guidelines, 2015. Collection method: clinical testing. Allele origin: germline. Affected: yes. Observed: 5 variant alleles.

Fulgent Genetics
Classification: Pathogenic for Acrocallosal syndrome; Multiple epiphyseal dysplasia, Al-Gazali type; Hydrolethalus syndrome 2. Last evaluated: 2024-05-22. Review status: criteria provided, single submitter. Criteria: ACMG Guidelines, 2015. Collection method: clinical testing. Allele origin: germline.

Molecular Genetics, Royal Melbourne Hospital
Classification: Likely pathogenic for Acrocallosal syndrome. Last evaluated: 2024-01-05. Review status: criteria provided, single submitter. Criteria: ACMG Guidelines, 2015. Collection method: clinical testing. Allele origin: germline. Inheritance: Autosomal recessive inheritance.
Comment: This sequence change in KIF7 is a frameshift variant predicted to cause a premature stop codon, p.(Ala854Glnfs*14), in biologically relevant exon 13/19 leading to nonsense-mediated decay in a gene in which loss-of-function is an established disease mechanism. The highest population minor allele frequency in the population database gnomAD v2.1 is 0.01% (14/128,180 alleles) in the European (non-Finnish) population, which is consistent with recessive disease. This variant has been reported in association with idiopathic scoliosis (PMID: 33382518). Based on the classification scheme RMH Modified ACMG/AMP Guidelines v1.6.1, this variant is classified as LIKELY PATHOGENIC. Following criteria are met: PVS1, PM2_Supporting.

Labcorp Genetics (formerly Invitae), Labcorp
Classification: Pathogenic for Acrocallosal syndrome. Last evaluated: 2023-10-14. Review status: criteria provided, single submitter. Criteria: Invitae Variant Classification Sherloc (09022015). Collection method: clinical testing. Allele origin: germline.
Comment: This sequence change creates a premature translational stop signal (p.Ala854Glnfs*14) in the KIF7 gene. It is expected to result in an absent or disrupted protein product. Loss-of-function variants in KIF7 are known to be pathogenic (PMID: 19666503, 21552264, 21633164, 26648833). This variant is present in population databases (rs762662896, gnomAD 0.01%). This variant has not been reported in the literature in individuals affected with KIF7-related conditions. ClinVar contains an entry for this variant (Variation ID: 1454843). For these reasons, this variant has been classified as Pathogenic.

Revvity Omics, Revvity
Classification: Likely pathogenic. Last evaluated: 2023-09-19. Review status: criteria provided, single submitter. Criteria: ACMG Guidelines, 2015. Collection method: clinical testing. Allele origin: germline.

PreventionGenetics, part of Exact Sciences
Classification: Likely pathogenic for KIF7-related condition. Last evaluated: 2024-05-16. Review status: no assertion criteria provided. Collection method: clinical testing. Allele origin: germline. Not counted in ClinVar's aggregate classification.
Comment: The KIF7 c.2560_2570del11 variant is predicted to result in a frameshift and premature protein termination (p.Ala854Glnfs*14). This variant has been reported in an Idiopathic scoliosis exome sequencing cohort (Table S2, Terhune et al. 2021. PubMed ID: 33382518). This variant is reported in 0.011% of alleles in individuals of European (Non-Finnish) descent in gnomAD. Frameshift variants in KIF7 are expected to be pathogenic. This variant is interpreted as likely pathogenic.

Literature cited by the submitters: PubMed 33382518 (cited by Molecular Genetics, Royal Melbourne Hospital); PubMed 19666503 (cited by Labcorp Genetics (formerly Invitae), Labcorp); PubMed 21552264 (cited by Labcorp Genetics (formerly Invitae), Labcorp); PubMed 21633164 (cited by Labcorp Genetics (formerly Invitae), Labcorp); PubMed 26648833 (cited by Labcorp Genetics (formerly Invitae), Labcorp).